The following continues an entry in ClinVar:

NM_003002.4(SDHD):c.242C>T (p.Pro81Leu)

Gene: SDHD. ClinVar aggregate classification (germline): Pathogenic/Likely pathogenic. Pathogenic (22); Likely pathogenic (1).

Submissions 20 to 27 of 27:

Women's Health and Genetics/Laboratory Corporation of America, LabCorp
Classification: Pathogenic for Hereditary cancer-predisposing syndrome. Last evaluated: 2017-08-21. Review status: criteria provided, single submitter. Criteria: LabCorp Variant Classification Summary - May 2015. Collection method: clinical testing. Allele origin: germline.
Comment: Variant summary: The SDHD c.242C>T (p.Pro81Leu) variant involves the alteration of a conserved nucleotide, resulting in a missense change that does not lie within a known functional domain (InterPro). 4/4 in silico tools predict a damaging outcome for this variant (SNPsandGO not captured due to low reliability index). This variant is absent in 121894 control chromosomes tested in ExAC and published control cohorts. The variant has been reported in numerous patients, and has been found segregating with disease in families as well as in sporadic, non-familial cases. Based on the literature, the variant is considered a founder mutation and a well-known pathogenic allele. In addition, multiple clinical diagnostic laboratories/reputable databases classified this variant as pathogenic. Taken together, this variant is classified as pathogenic.

Center for Human Genetics, Inc
Classification: Pathogenic for Paragangliomas with sensorineural hearing loss. Last evaluated: 2016-11-01. Review status: criteria provided, single submitter. Criteria: ACMG Guidelines, 2015. Collection method: clinical testing. Allele origin: germline. Affected: yes.

Laboratory for Molecular Medicine, Mass General Brigham Personalized Medicine
Classification: Pathogenic for Hereditary pheochromocytoma and paraganglioma. Last evaluated: 2016-09-21. Review status: criteria provided, single submitter. Criteria: LMM Criteria. Collection method: clinical testing. Allele origin: germline. Inheritance: Autosomal dominant inheritance. Observed: 3 variant alleles.
Comment: The p.Pro81Leu variant in SDHD has been reported in >25 individuals with paragan gliomas and/or pheochromocytomas (PGL/PCC), segregated with disease in at least 16 relatives from 7 families (Xekouki 2015, Sridhara 2013, Yeap 2011, Baysal 200 2, Mannelli 2006, Astrom 2003). This variant, along with loss of heterozygosity, has also been found as a somatic change in the tumor of an individual with an i solated pheochromocytoma (Gimm 2000). It has also been reported by other clinica l laboratories in ClinVar (Variation ID 6896). This variant has also been identi fied in 3/126674 of European chromosomes by the Genome Aggregation Database (gno mAD, http:/; dbSNP rs80338844). This frequency is low e nough to be consistent with the frequency of hereditary PGL/PCC syndrome in the general population. In summary, this variant meets criteria to be classified as pathogenic for hereditary paraganglioma-pheochromocytoma syndrome in an autosoma l dominant manner based upon segregation studies and presence in multiple affect ed individuals. ACMG/AMP Criteria applied: PS4, PP1_Strong (Richards 2015).

UCLA Clinical Genomics Center, UCLA
Classification: Pathogenic for Paragangliomas 1. Last evaluated: 2014-01-21. Review status: criteria provided, single submitter. Criteria: Lee et al. (JAMA. 2014). Collection method: clinical testing. Allele origin: unknown. Inheritance: Autosomal dominant inheritance. Affected: yes. Study: CES.

OMIM
Classification: Pathogenic for PHEOCHROMOCYTOMA/PARAGANGLIOMA SYNDROME 1. Last evaluated: 2003-08-01. Review status: no assertion criteria provided. Collection method: literature only. Allele origin: unknown. Not counted in ClinVar's aggregate classification.

OMIM
Classification: Pathogenic for PHEOCHROMOCYTOMA, SOMATIC. Last evaluated: 2003-08-01. Review status: no assertion criteria provided. Collection method: literature only. Allele origin: somatic. Not counted in ClinVar's aggregate classification.

GeneReviews
No classification provided. Condition: Hereditary pheochromocytoma and paraganglioma. Review status: no classification provided. Collection method: literature only. Allele origin: unknown. Not counted in ClinVar's aggregate classification.

Section on Medical Neuroendocrinolgy, National Institutes of Health
Classification: Pathogenic for Hereditary pheochromocytoma and paraganglioma. Review status: no assertion criteria provided. Collection method: research. Allele origin: germline. Affected: yes. Not counted in ClinVar's aggregate classification.

Literature cited by the submitters: PubMed 10657297 (cited by 10 submitters); PubMed 11391796 (cited by 9 submitters); PubMed 11897817 (cited by 10 submitters); PubMed 15479192 (cited by 4 submitters); PubMed 19454582 (cited by 7 submitters); PubMed 21348866 (cited by 5 submitters); PubMed 21937622 (cited by 8 submitters); PubMed 23433498 (cited by 5 submitters); PubMed 24436918 (cited by 5 submitters); PubMed 25494863 (cited by 6 submitters); PubMed 11343322 (cited by 5 submitters); PubMed 12811540 (cited by 8 submitters); PubMed 24758185 (cited by 6 submitters); PubMed 25014000 (cited by 3 submitters); PubMed 29386252 (cited by 5 submitters); PubMed 30050099 (cited by 5 submitters); PubMed 30375904 (cited by 4 submitters); PubMed 30951038 (cited by Ambry Genetics); PubMed 31194233 (cited by Ambry Genetics); PubMed 32741965 (cited by Ambry Genetics and Mayo Clinic Laboratories, Mayo Clinic); PubMed 33748650 (cited by Ambry Genetics); PubMed 10323245 (cited by Mayo Clinic Laboratories, Mayo Clinic); PubMed 25695889 (cited by 5 submitters); PubMed 34906457 (cited by Mayo Clinic Laboratories, Mayo Clinic); PubMed 8981955 (cited by All of Us Research Program, National Institutes of Health and Color Diagnostics, LLC DBA Color Health); PubMed 11391798 (cited by 3 submitters); PubMed 14974914 (cited by All of Us Research Program, National Institutes of Health and Color Diagnostics, LLC DBA Color Health); PubMed 15235042 (cited by All of Us Research Program, National Institutes of Health and Color Diagnostics, LLC DBA Color Health); PubMed 15328326 (cited by All of Us Research Program, National Institutes of Health and Color Diagnostics, LLC DBA Color Health); PubMed 17102085 (cited by 3 submitters); PubMed 22290790 (cited by All of Us Research Program, National Institutes of Health and Color Diagnostics, LLC DBA Color Health); PubMed 22575350 (cited by All of Us Research Program, National Institutes of Health and Color Diagnostics, LLC DBA Color Health); PubMed 23666964 (cited by All of Us Research Program, National Institutes of Health and Color Diagnostics, LLC DBA Color Health); PubMed 24102379 (cited by All of Us Research Program, National Institutes of Health and Color Diagnostics, LLC DBA Color Health); PubMed 25326637 (cited by All of Us Research Program, National Institutes of Health and Color Diagnostics, LLC DBA Color Health); PubMed 29625052 (cited by 3 submitters); PubMed 29681642 (cited by All of Us Research Program, National Institutes of Health and Color Diagnostics, LLC DBA Color Health); PubMed 29777207 (cited by All of Us Research Program, National Institutes of Health and Color Diagnostics, LLC DBA Color Health); PubMed 31492822 (cited by All of Us Research Program, National Institutes of Health and Color Diagnostics, LLC DBA Color Health); PubMed 28179334 (cited by Myriad Genetics, Inc.); PubMed 30877234 (cited by Myriad Genetics, Inc. and Quest Diagnostics Nichols Institute San Juan Capistrano); PubMed 32098148 (cited by Myriad Genetics, Inc.); PubMed 11897812 (cited by Genetics and Molecular Pathology, SA Pathology); PubMed 23175444 (cited by 3 submitters); PubMed 11156372 (cited by 3 submitters); PubMed 20301715 (cited by GeneReviews); NCBI Bookshelf NBK1548 (cited by GeneReviews).